The following is an entry in ClinVar:

NM_018192.4(P3H2):c.1565G>A (p.Arg522Gln)

Gene: P3H2 (prolyl 3-hydroxylase 2; minus strand). Cytogenetic location: 3q28.
Variant type: single nucleotide variant.
Coding change: c.1565G>A on transcript NM_018192.4 (MANE Select); coding-DNA position 1565, G replaced by A.
Protein change: p.Arg522Gln; replaces arginine 522 with glutamine.
Molecular consequence: missense variant.
Genome position (GRCh38, 1-based): chr3:189,973,008, C>T on the plus strand (G>A on the coding strand, the complement: P3H2 is on the minus strand). VCF-style: chr3-189973008-C-T. GRCh37 (hg19) VCF-style: chr3-189690797-C-T.
Other names: c.1022G>A, p.Arg341Gln (NM_001134418.2); short protein forms R341Q, R522Q.
Identifiers: ClinVar variation 1026572 (VCV001026572.5), dbSNP rs139465966, ClinGen allele CA2752846.

ClinVar aggregate classification (germline): Uncertain significance. Review status: criteria provided, multiple submitters, no conflicts (2 of 4 stars). 2 submissions from 2 submitters: Uncertain significance (2). Last evaluated 2024-11-15.

Allele frequency attached by ClinVar (database versions not stated): gnomAD 0.00001; gnomAD exomes 0.00001 and 0.00002; ExAC 0.00002; TOPMed 0.00003; ESP Exome Variant Server 0.00008.
gnomAD v4.1: 20 of 1,608,202 alleles (0.0012%); highest among the groups gnomAD compares: Middle Eastern, 0.033%; no homozygotes.

Submissions (3):

Blueprint Genetics
Classification: Uncertain significance. Last evaluated: 2024-11-15. Review status: criteria provided, single submitter. Criteria: ACMG Guidelines, 2015. Collection method: clinical testing. Allele origin: germline.

Labcorp Genetics (formerly Invitae), Labcorp
Classification: Uncertain significance. Last evaluated: 2022-07-05. Review status: criteria provided, single submitter. Criteria: Invitae Variant Classification Sherloc (09022015). Collection method: clinical testing. Allele origin: germline.
Comment: This sequence change replaces arginine, which is basic and polar, with glutamine, which is neutral and polar, at codon 522 of the P3H2 protein (p.Arg522Gln). This variant is present in population databases (rs139465966, gnomAD 0.003%). In summary, the available evidence is currently insufficient to determine the role of this variant in disease. Therefore, it has been classified as a Variant of Uncertain Significance. Algorithms developed to predict the effect of missense changes on protein structure and function are either unavailable or do not agree on the potential impact of this missense change (SIFT: "Deleterious"; PolyPhen-2: "Benign"; Align-GVGD: "Class C35"). ClinVar contains an entry for this variant (Variation ID: 1026572). This variant has not been reported in the literature in individuals affected with P3H2-related conditions.

Dr. Peter K. Rogan Lab, Western University
No classification provided (evidence only). Condition: Colon adenocarcinoma. Review status: no classification provided. Collection method: in vitro. Allele origin: not applicable. Functional consequence: retained intron. Not counted in ClinVar's aggregate classification.